The following is an entry in ClinVar:

ClinVar aggregate classification (germline): Benign. Review status: criteria provided, single submitter (1 of 4 stars). 2 submissions from 2 submitters: Benign (1). 1 of the submissions does not count toward it. Last evaluated 2025-09-28.

Conditions:
Kabuki syndrome. Also called: Kabuki make-up syndrome; NIIKAWA-KUROKI SYNDROME. Identifiers: Orphanet 2322, MedGen C0796004, MONDO:0016512.
KMT2D-related disorder. Also called: KMT2D-Related Disorders.

Allele frequency attached by ClinVar (database versions not stated): gnomAD 0.00001; gnomAD exomes below 0.00001; TOPMed 0.00001.
gnomAD v4.1: 8 of 1,611,276 alleles (0.0005%); highest among the groups gnomAD compares: African/African-American, 0.004%; no homozygotes.

Submissions (2):

Labcorp Genetics (formerly Invitae), Labcorp
Classification: Benign for Kabuki syndrome. Last evaluated: 2025-09-28. Review status: criteria provided, single submitter. Criteria: Invitae Variant Classification Sherloc (09022015). Collection method: clinical testing. Allele origin: germline.

PreventionGenetics, part of Exact Sciences
Classification: Likely benign for KMT2D-related condition. Last evaluated: 2021-03-23. Review status: no assertion criteria provided. Collection method: clinical testing. Allele origin: germline. Not counted in ClinVar's aggregate classification.
Comment: This variant is classified as likely benign based on ACMG/AMP sequence variant interpretation guidelines (Richards et al. 2015 PMID: 25741868, with internal and published modifications).

NM_003482.4(KMT2D):c.4656C>T (p.Asp1552=)

Gene: KMT2D (lysine methyltransferase 2D; minus strand). Cytogenetic location: 12q13.12.
Variant type: single nucleotide variant.
Coding change: c.4656C>T on transcript NM_003482.4 (MANE Select); coding-DNA position 4656, C replaced by T.
Protein change: p.Asp1552=; no amino-acid change (aspartic acid 1552 retained).
Molecular consequence: synonymous variant.
Genome position (GRCh38, 1-based): chr12:49,046,102, G>A on the plus strand (C>T on the coding strand, the complement: KMT2D is on the minus strand). VCF-style: chr12-49046102-G-A. GRCh37 (hg19) VCF-style: chr12-49439885-G-A.
Identifiers: ClinVar variation 2963548 (VCV002963548.5), dbSNP rs926200157, ClinGen allele CA236614746.
Genomic context (GRCh38, chr12:49,046,102, plus strand): 5'-CCTACCCAGCAGCTGGTACTCACCCACAGGCTTTACCACGTAGGGCTGGCAGGAGACACA[G>A]TCAAAGCCTTCATCGGCTGCCTGCTCCACATCGTCCTCTGTGAAGAGGCTCTCACAGCCT-3'
Protein context (NP_003473.3, residues 1542-1562): DVEQAADEGF[Asp1552=]CVSCQPYVVK